The following is an entry in ClinVar:

ClinVar aggregate classification (germline): Pathogenic/Likely pathogenic. Review status: criteria provided, multiple submitters, no conflicts (2 of 4 stars). 2 submissions from 2 submitters: Pathogenic (1); Likely pathogenic (1). Last evaluated 2021-12-09.

Conditions:
Hereditary cancer-predisposing syndrome. Also called: Neoplastic Syndromes, Hereditary; Hereditary Cancer Syndrome; Hereditary neoplastic syndrome; Tumor predisposition. Identifiers: Orphanet 140162, MedGen C0027672, MeSH D009386, MONDO:0015356.
Hereditary nonpolyposis colorectal neoplasms. Identifiers: MedGen C0009405, MeSH D003123.

Submissions (2):

Sema4
Classification: Likely pathogenic for Hereditary cancer-predisposing syndrome. Last evaluated: 2021-12-09. Review status: criteria provided, single submitter. Criteria: Sema4 Curation Guidelines. Collection method: curation. Allele origin: germline.
Comment: To the best of our knowledge, the MSH6 c.3815_3816insT (p.E1272DfsX3) variant has not been reported in individuals with MSH6-related disease. This variant causes a frameshift at amino acid 1272 that results in premature termination 3 amino acids downstream. At this location, nonsense-mediated decay is predicted to occur, resulting in a loss of gene function. This variant is not reported in the population database Genome Aggregation Database (PMID: 32461654). This variant has not been reported in ClinVar. Based on the current evidence available, this variant is interpreted as likely pathogenic.

Labcorp Genetics (formerly Invitae), Labcorp
Classification: Pathogenic for Hereditary nonpolyposis colorectal neoplasms. Last evaluated: 2021-01-13. Review status: criteria provided, single submitter. Criteria: Invitae Variant Classification Sherloc (09022015). Collection method: clinical testing. Allele origin: germline.
Comment: This variant has not been reported in the literature in individuals with MSH6-related conditions. For these reasons, this variant has been classified as Pathogenic. This variant is not present in population databases (ExAC no frequency). This sequence change creates a premature translational stop signal (p.Glu1272Aspfs*3) in the MSH6 gene. It is expected to result in an absent or disrupted protein product. Loss-of-function variants in MSH6 are known to be pathogenic (PMID: 18269114, 24362816).

Literature cited by the submitters: PubMed 18269114 (cited by Labcorp Genetics (formerly Invitae), Labcorp); PubMed 24362816 (cited by Labcorp Genetics (formerly Invitae), Labcorp).

NM_000179.3(MSH6):c.3815_3816insT (p.Glu1272fs)

Gene: MSH6 (mutS homolog 6; plus strand). Cytogenetic location: 2p16.3.
Variant type: Insertion.
Coding change: c.3815_3816insT on transcript NM_000179.3 (MANE Select); coding-DNA positions 3815 to 3816, T inserted.
Protein change: p.Glu1272fs; shifts the reading frame from glutamic acid 1272.
Molecular consequence: frameshift variant.
Genome position: GRCh38 VCF-style: chr2-47806465-A-AT. GRCh37 (hg19) VCF-style: chr2-48033604-A-AT.
Other names: c.3425_3426insT, p.Glu1142fs (NM_001281492.2); c.2909_2910insT, p.Glu970fs (NM_001281493.2, NM_001281494.2); short protein forms E1142fs, E1272fs, E970fs.
Identifiers: ClinVar variation 1440368 (VCV001440368.7), dbSNP rs2104552191, ClinGen allele CA2573134785.
Genomic context (GRCh38, chr2:47,806,465, plus strand): 5'-CACTTCTCTTGCTAGCACATGTATCGCTAATATTTTTCTTTCTTAAGGCATGCATGGTAG[A>AT]AAATGAATGTGAAGACCCCAGCCAGGAGACTATTACGTTCCTCTATAAATTCATTAAGGG-3'